The following is an entry in ClinVar:

ClinVar aggregate classification (germline): Pathogenic/Likely pathogenic. Review status: criteria provided, multiple submitters, no conflicts (2 of 4 stars). 8 submissions from 8 submitters: Pathogenic (4); Likely pathogenic (1). 3 of the submissions do not count toward it. Last evaluated 2026-01-12.

Conditions:
COL1A2-related disorder. Also called: COL1A2-Related Disorders; COL1A2-related condition.
Osteogenesis imperfecta with normal sclerae, dominant form (OI4). Also called: OSTEOGENESIS IMPERFECTA, TYPE IV, WITH DENTINOGENESIS IMPERFECTA; OSTEOGENESIS IMPERFECTA WITH NORMAL SCLERAE; Common Variable Osteogenesis Imperfecta with Normal Sclerae; Osteogenesis imperfecta type 4; Osteogenesis Imperfecta Type IV. Identifiers: Orphanet 216820, Orphanet 666, MedGen C0268363, MONDO:0008148, OMIM 166220.
Dentinogenesis imperfecta. Identifiers: Orphanet 49042, MedGen C0011436, MONDO:0018849, HP:0000703.
Osteogenesis imperfecta (OI). Identifiers: Orphanet 666, MedGen C0029434, MeSH D010013, MONDO:0019019.
Osteogenesis imperfecta type I (OI1). Also called: Lobstein's Disease; Lobstein disease; OI, TYPE I; OSTEOGENESIS IMPERFECTA TARDA; OSTEOGENESIS IMPERFECTA WITH BLUE SCLERAE; Classic Non-deforming Osteogenesis Imperfecta with Blue Sclerae. Identifiers: Orphanet 216796, Orphanet 666, MedGen C0023931, MONDO:0008146, OMIM 166200. Disease mechanism: loss of function.
Ehlers-Danlos syndrome, classic type, 1 (EDSCL1). Also called: Ehlers-Danlos syndrome, type 1; EHLERS-DANLOS SYNDROME, GRAVIS TYPE; EHLERS-DANLOS SYNDROME, SEVERE CLASSIC TYPE; EDS I; Ehlers-Danlos Syndrome, Classic Type, COL5A1-Related. Identifiers: MedGen C0268335, MONDO:0019567, OMIM 130000.

Allele frequency attached by ClinVar (database versions not stated): gnomAD exomes below 0.00001.
gnomAD v4.1: 1 of 1,549,790 alleles (0.000065%); highest among the groups gnomAD compares: Non-Finnish European, 0.000087%; no homozygotes.

Submissions (8):

Labcorp Genetics (formerly Invitae), Labcorp
Classification: Pathogenic for Osteogenesis imperfecta type I; Ehlers-Danlos syndrome, classic type, 1. Last evaluated: 2026-01-12. Review status: criteria provided, single submitter. Criteria: Invitae Variant Classification Sherloc (09022015). Collection method: clinical testing. Allele origin: germline.
Comment: This sequence change replaces glycine, which is neutral and non-polar, with serine, which is neutral and polar, at codon 391 of the COL1A2 protein (p.Gly391Ser). This variant is not present in population databases (gnomAD no frequency). This missense change has been observed in individual(s) with clinical features of autosomal dominant COL1A2-related conditions (PMID: 17078022, 23227268, 27510842, 30152103, 30886339). This variant is also known as p.Gly301Ser. ClinVar contains an entry for this variant (Variation ID: 425645). Invitae Evidence Modeling of protein sequence and biophysical properties (such as structural, functional, and spatial information, amino acid conservation, physicochemical variation, residue mobility, and thermodynamic stability) indicates that this missense variant is expected to disrupt COL1A2 protein function with a positive predictive value of 95%. This variant disrupts the triple helix domain of COL1A2. Glycine residues within the Gly-Xaa-Yaa repeats of the triple helix domain are required for the structure and stability of fibrillar collagens (PMID: 7695699, 8218237, 19344236). In COL1A2, variants affecting these glycine residues are significantly enriched in individuals with disease (PMID: 9016532, 17078022) compared to the general population (ExAC). For these reasons, this variant has been classified as Pathogenic.

Blueprint Genetics
Classification: Pathogenic for COL1A2-related disorders. Last evaluated: 2023-02-28. Review status: criteria provided, single submitter. Criteria: ACMG Guidelines, 2015. Collection method: clinical testing. Allele origin: germline. Affected: yes. Observed: 4 variant alleles.

GeneDx
Classification: Pathogenic. Last evaluated: 2022-01-04. Review status: criteria provided, single submitter. Criteria: GeneDx Variant Classification Process June 2021. Collection method: clinical testing. Allele origin: germline. Affected: yes.
Comment: Observed in patients with osteogenesis imperfecta (OI) type IV or mild OI, some with dentinogenesis imperfecta, in published literature (Marini et al., 2007; Lindahl et al., 2015; Malmgren et al., 2017; Harvengt al., 2019); Occurs in the triple helical domain and replaces the glycine in the canonical Gly-X-Y repeat; missense substitution of a canonical glycine residue is expected to disrupt normal protein folding and function, and this is an established mechanism of disease (HGMD); In silico analysis supports that this missense variant has a deleterious effect on protein structure/function; Not observed at significant frequency in large population cohorts (gnomAD); This variant is associated with the following publications: (PMID: 26177859, 17078022, 25944380, 30152103, 30886339, Lee2021[Publication], 23227268, 27510842, 34201399, 24077912)

Genome Diagnostics Laboratory, The Hospital for Sick Children
Classification: Likely pathogenic for Osteogenesis imperfecta. Last evaluated: 2020-11-05. Review status: criteria provided, single submitter. Criteria: ACMG Guidelines, 2015. Collection method: clinical testing. Allele origin: germline.

Clinical Biomedical Laboratory, Shriners Hospital For Children - Canada
Classification: Pathogenic for Osteogenesis imperfecta with normal sclerae, dominant form. Review status: criteria provided, single submitter. Criteria: ACMG Guidelines, 2015. Collection method: clinical testing. Allele origin: germline. Affected: yes.
Comment: This variant is predicted to substitute a glycine residue by a serine residue in the triple helical domain of the collagen type I alpha 2 chain. The variant is absent in the Genome Aggregation Database (gnomAD v2.1.1), indicating it is very rare. Computational tools (REVEL: 0.941) suggest that the amino acid change is damaging to protein function. The variant has been reported in multiple publications (e.g., PMID 30886339). Based on the ACMG variant interpretation guidelines (criteria: PS3, PM2, PM5, PP2, PP3, PP4, PP5), the available evidence supports classification of this variant as pathogenic.

PreventionGenetics, part of Exact Sciences
Classification: Pathogenic for COL1A2-related condition. Last evaluated: 2024-09-18. Review status: no assertion criteria provided. Collection method: clinical testing. Allele origin: germline. Not counted in ClinVar's aggregate classification.
Comment: The COL1A2 c.1171G>A variant is predicted to result in the amino acid substitution p.Gly391Ser. The p.Gly391 amino acid lies in a highly conserved triple-helical region of the protein and substitutions affecting the conserved Gly residues in this domain of the protein are expected to be pathogenic. This variant has been reported in several patients with autosomal dominant osteogenesis imperfecta (Marini et al. 2007. PubMed ID: 17078022; Malmgren et al. 2017. PubMed ID: 27510842; Lindahl et al. 2015. PubMed ID: 25944380). This variant was also reported in a patient with dentin defects without skeletal abnormalities (Wang et al. 2012. PubMed ID: 23227268). In addition, different missense substitutions at the same amino acid position (p.Gly391Cys, p.Gly391Arg) have also been reported to be pathogenic (Marini et al. 2007. PubMed ID: 17078022; Ward et al. 2001. PubMed ID: 11317364; Demir et al. 2021. PubMed ID: 33470886). The c.1171G>A (p.Gly391Ser) variant has not been observed in population based variant allele frequency databases, indicating it is rare. In summary, this variant is interpreted as pathogenic.

Dental Genetics Laboratory, Seoul National University School of Dentistry
Classification: Pathogenic for Dentinogenesis imperfecta. Review status: no assertion criteria provided. Collection method: clinical testing. Allele origin: inherited. Inheritance: Autosomal dominant inheritance. Affected: yes. Observed: 1 variant allele, 1 heterozygote. Not counted in ClinVar's aggregate classification.

Department of Medical Sciences, Uppsala University
Classification: Pathogenic for OI type IV. Review status: no assertion criteria provided. Collection method: clinical testing. Allele origin: paternal. Affected: yes. Observed: 1 variant allele. Not counted in ClinVar's aggregate classification.

Literature cited by the submitters: PubMed 17078022 (cited by Labcorp Genetics (formerly Invitae), Labcorp); PubMed 23227268 (cited by Labcorp Genetics (formerly Invitae), Labcorp); PubMed 27510842 (cited by Labcorp Genetics (formerly Invitae), Labcorp); PubMed 30152103 (cited by Labcorp Genetics (formerly Invitae), Labcorp); PubMed 30886339 (cited by Labcorp Genetics (formerly Invitae), Labcorp); PubMed 7695699 (cited by Labcorp Genetics (formerly Invitae), Labcorp); PubMed 8218237 (cited by Labcorp Genetics (formerly Invitae), Labcorp); PubMed 19344236 (cited by Labcorp Genetics (formerly Invitae), Labcorp); PubMed 9016532 (cited by Labcorp Genetics (formerly Invitae), Labcorp); PubMed 25944380 (cited by Department of Medical Sciences, Uppsala University).

NM_000089.4(COL1A2):c.1171G>A (p.Gly391Ser)

Gene: COL1A2 (collagen type I alpha 2 chain; plus strand). Cytogenetic location: 7q21.3.
Variant type: single nucleotide variant.
Coding change: c.1171G>A on transcript NM_000089.4 (MANE Select); coding-DNA position 1171, G replaced by A.
Protein change: p.Gly391Ser; replaces glycine 391 with serine.
Molecular consequence: missense variant.
Genome position (GRCh38, 1-based): chr7:94,410,501, G>A. VCF-style: chr7-94410501-G-A. GRCh37 (hg19) VCF-style: chr7-94039813-G-A.
Other names: c.1171G>A (LRG_2t1); short protein forms G391S.
Identifiers: ClinVar variation 425645 (VCV000425645.22), dbSNP rs67707918, ClinGen allele CA162921172.